The following is an entry in ClinVar:

NM_024757.5(EHMT1):c.2155A>G (p.Thr719Ala)

Gene: EHMT1 (euchromatic histone lysine methyltransferase 1; plus strand). Cytogenetic location: 9q34.3.
Variant type: single nucleotide variant.
Coding change: c.2155A>G on transcript NM_024757.5 (MANE Select); coding-DNA position 2155, A replaced by G.
Protein change: p.Thr719Ala; replaces threonine 719 with alanine.
Molecular consequence: missense variant.
Genome position (GRCh38, 1-based): chr9:137,778,018, A>G. VCF-style: chr9-137778018-A-G. GRCh37 (hg19) VCF-style: chr9-140672470-A-G.
Other names: c.2155A>G, p.Thr719Ala (NM_001145527.2); c.2062A>G, p.Thr688Ala (NM_001354259.2); c.2134A>G, p.Thr712Ala (NM_001354263.2); short protein forms T688A, T712A, T719A.
Identifiers: ClinVar variation 1720597 (VCV001720597.6), dbSNP rs2542395164, ClinGen allele CA375779127.
Genomic context (GRCh38, chr9:137,778,018, plus strand): 5'-ACGGGACCTGCTGGGCTTGGGAGGCCAACTCCCGGCCTTTCCCAGGGACCAGGGAAGGAA[A>G]CCTTGGAGAGCGCTCTCATCGCCCTCGACTCGGAAAAGTAAGACCTGACATGTGATTTCA-3'
Protein context (NP_079033.4, residues 709-729): PGLSQGPGKE[Thr719Ala]LESALIALDS

ClinVar aggregate classification (germline): Uncertain significance (1 of 4 stars; one submission).

Conditions:
Kleefstra syndrome 1 (KLEFS1). Identifiers: Orphanet 261494, MedGen C0795833, MONDO:0027407, OMIM 610253.

Submission:

Labcorp Genetics (formerly Invitae), Labcorp
Classification: Uncertain significance for Kleefstra syndrome 1. Last evaluated: 2022-09-28. Review status: criteria provided, single submitter. Criteria: Invitae Variant Classification Sherloc (09022015). Collection method: clinical testing. Allele origin: germline.
Comment: In summary, the available evidence is currently insufficient to determine the role of this variant in disease. Therefore, it has been classified as a Variant of Uncertain Significance. Advanced modeling of protein sequence and biophysical properties (such as structural, functional, and spatial information, amino acid conservation, physicochemical variation, residue mobility, and thermodynamic stability) performed at Invitae indicates that this missense variant is not expected to disrupt EHMT1 protein function. This variant has not been reported in the literature in individuals affected with EHMT1-related conditions. This variant is not present in population databases (gnomAD no frequency). This sequence change replaces threonine, which is neutral and polar, with alanine, which is neutral and non-polar, at codon 719 of the EHMT1 protein (p.Thr719Ala).